The following is an entry in ClinVar:

ClinVar aggregate classification (germline): Uncertain significance (1 of 4 stars; one submission).

Conditions:
Juvenile polyposis syndrome (JPS). Identifiers: Orphanet 2929, MedGen C0345893, MONDO:0017380, OMIM 174900.

Submission:

Labcorp Genetics (formerly Invitae), Labcorp
Classification: Uncertain significance for Juvenile polyposis syndrome. Last evaluated: 2023-04-17. Review status: criteria provided, single submitter. Criteria: Invitae Variant Classification Sherloc (09022015). Collection method: clinical testing. Allele origin: germline.
Comment: In summary, the available evidence is currently insufficient to determine the role of this variant in disease. Therefore, it has been classified as a Variant of Uncertain Significance. Advanced modeling of protein sequence and biophysical properties (such as structural, functional, and spatial information, amino acid conservation, physicochemical variation, residue mobility, and thermodynamic stability) has been performed at Invitae for this missense variant, however the output from this modeling did not meet the statistical confidence thresholds required to predict the impact of this variant on SMAD4 protein function. This variant has not been reported in the literature in individuals affected with SMAD4-related conditions. This variant is not present in population databases (gnomAD no frequency). This sequence change replaces leucine, which is neutral and non-polar, with proline, which is neutral and non-polar, at codon 143 of the SMAD4 protein (p.Leu143Pro).

NM_005359.6(SMAD4):c.428T>C (p.Leu143Pro)

Gene: SMAD4 (SMAD family member 4; plus strand). Cytogenetic location: 18q21.2.
Variant type: single nucleotide variant.
Coding change: c.428T>C on transcript NM_005359.6 (MANE Select); coding-DNA position 428, T replaced by C.
Protein change: p.Leu143Pro; replaces leucine 143 with proline.
Molecular consequence: missense variant. On other transcripts: non-coding transcript variant (2).
Genome position (GRCh38, 1-based): chr18:51,049,298, T>C. VCF-style: chr18-51049298-T-C. GRCh37 (hg19) VCF-style: chr18-48575668-T-C.
Other names: c.428T>C, p.Leu143Pro (NM_001407041.1, NM_001407042.1, NM_001407043.1); short protein forms L143P.
Identifiers: ClinVar variation 2857105 (VCV002857105.3), dbSNP rs2511370316, ClinGen allele CA402459044.